The following is an entry in ClinVar:

NM_213599.3(ANO5):c.*554C>T

Gene: ANO5 (anoctamin 5; plus strand). Cytogenetic location: 11p14.3.
Variant type: single nucleotide variant.
Coding change: c.*554C>T on transcript NM_213599.3 (MANE Select); 554 bases downstream of the stop codon, C replaced by T.
Molecular consequence: 3 prime UTR variant.
Genome position (GRCh38, 1-based): chr11:22,280,319, C>T. VCF-style: chr11-22280319-C-T. GRCh37 (hg19) VCF-style: chr11-22301865-C-T.
Other names: c.*554C>T (NM_001142649.2).
Identifiers: ClinVar variation 304122 (VCV000304122.7), dbSNP rs117180492, ClinGen allele CA10630627.

ClinVar aggregate classification (germline): Benign/Likely benign. Review status: criteria provided, multiple submitters, no conflicts (2 of 4 stars). 2 submissions from 2 submitters: Benign (1); Likely benign (1). Last evaluated 2021-05-11.

Conditions:
ANO5-Related Muscle Diseases. Identifiers: MedGen CN180644.

Allele frequency attached by ClinVar (database versions not stated): 1000 Genomes Project 30x 0.01640; 1000 Genomes Project 0.01757; TOPMed 0.02198; gnomAD 0.02476 and 0.02555; gnomAD exomes 0.05000.
gnomAD v4.1: 3,883 of 152,146 alleles (2.6%); highest among the groups gnomAD compares: South Asian, 5%; 75 homozygotes.

Submissions (2):

GeneDx
Classification: Likely benign. Last evaluated: 2021-05-11. Review status: criteria provided, single submitter. Criteria: GeneDx Variant Classification Process June 2021. Collection method: clinical testing. Allele origin: germline. Affected: yes.

Illumina Laboratory Services, Illumina
Classification: Benign for ANO5-Related Muscle Diseases. Last evaluated: 2018-01-13. Review status: criteria provided, single submitter. Criteria: ICSL Variant Classification Criteria 13 December 2019. Collection method: clinical testing. Allele origin: germline.
Comment: This variant was observed in the ICSL laboratory as part of a predisposition screen in an ostensibly healthy population. It had not been previously curated by ICSL or reported in the Human Gene Mutation Database (HGMD: prior to June 1st, 2018), and was therefore a candidate for classification through an automated scoring system. Utilizing variant allele frequency, disease prevalence and penetrance estimates, and inheritance mode, an automated score was calculated to assess if this variant is too frequent to cause the disease. Based on the score and internal cut-off values, a variant classified as benign is not then subjected to further curation. The score for this variant resulted in a classification of benign for this disease.